The following is an entry in ClinVar:

NM_194248.3(OTOF):c.2457C>T (p.His819=)

Gene: OTOF (otoferlin; minus strand). Cytogenetic location: 2p23.3.
Variant type: single nucleotide variant.
Coding change: c.2457C>T on transcript NM_194248.3 (MANE Select); coding-DNA position 2457, C replaced by T.
Protein change: p.His819=; no amino-acid change (histidine 819 retained).
Molecular consequence: synonymous variant.
Genome position (GRCh38, 1-based): chr2:26,477,238, G>A on the plus strand (C>T on the coding strand, the complement: OTOF is on the minus strand). VCF-style: chr2-26477238-G-A. GRCh37 (hg19) VCF-style: chr2-26700106-G-A.
Other names: c.2457C>T, p.His819= (NM_001287489.2); c.216C>T, p.His72= (NM_004802.4, NM_194323.3); c.387C>T, p.His129= (NM_194322.3).
Identifiers: ClinVar variation 2662749 (VCV002662749.4), dbSNP rs772678450, ClinGen allele CA1563894.

ClinVar aggregate classification (germline): Conflicting classifications of pathogenicity. Review status: criteria provided, conflicting classifications (1 of 4 stars). 2 submissions from 2 submitters: Uncertain significance (1); Likely benign (1). Last evaluated 2024-03-05.

Allele frequency attached by ClinVar (database versions not stated): gnomAD 0.00001; gnomAD exomes 0.00001; ExAC 0.00002.
gnomAD v4.1: 10 of 1,609,718 alleles (0.00062%); highest among the groups gnomAD compares: Non-Finnish European, 0.00085%; no homozygotes.

Submissions (2):

Labcorp Genetics (formerly Invitae), Labcorp
Classification: Likely benign. Last evaluated: 2024-03-05. Review status: criteria provided, single submitter. Criteria: Invitae Variant Classification Sherloc (09022015). Collection method: clinical testing. Allele origin: germline.

GeneDx
Classification: Uncertain significance. Last evaluated: 2023-05-08. Review status: criteria provided, single submitter. Criteria: GeneDx Variant Classification Process June 2021. Collection method: clinical testing. Allele origin: germline. Affected: yes.
Comment: Not observed at significant frequency in large population cohorts (gnomAD); In silico analysis supports that this variant does not alter splicing; Has not been previously published as pathogenic or benign to our knowledge